The following is an entry in ClinVar:

ClinVar aggregate classification (germline): Uncertain significance (1 of 4 stars; one submission).

Conditions:
Renal carnitine transport defect (CDSP). Also called: Systemic primary carnitine deficiency disease; CARNITINE DEFICIENCY, SYSTEMIC, DUE TO DEFECT IN RENAL REABSORPTION OF CARNITINE; CARNITINE TRANSPORTER, PLASMA-MEMBRANE, DEFICIENCY OF; CARNITINE UPTAKE DEFECT; Carnitine transporter deficiency; Carnitine Deficiency, Systemic. Identifiers: Orphanet 158, MedGen C0342788, MONDO:0008919, OMIM 212140.

Allele frequency attached by ClinVar (database versions not stated): gnomAD exomes below 0.00001.
gnomAD v4.1: 1 of 1,614,158 alleles (0.000062%); highest among the groups gnomAD compares: Non-Finnish European, 0.000085%; no homozygotes.

Submission:

Labcorp Genetics (formerly Invitae), Labcorp
Classification: Uncertain significance for Renal carnitine transport defect. Last evaluated: 2022-09-13. Review status: criteria provided, single submitter. Criteria: Invitae Variant Classification Sherloc (09022015). Collection method: clinical testing. Allele origin: germline.
Comment: In summary, the available evidence is currently insufficient to determine the role of this variant in disease. Therefore, it has been classified as a Variant of Uncertain Significance. Advanced modeling of protein sequence and biophysical properties (such as structural, functional, and spatial information, amino acid conservation, physicochemical variation, residue mobility, and thermodynamic stability) performed at Invitae indicates that this missense variant is expected to disrupt SLC22A5 protein function. ClinVar contains an entry for this variant (Variation ID: 1451033). This variant has not been reported in the literature in individuals affected with SLC22A5-related conditions. This variant is not present in population databases (gnomAD no frequency). This sequence change replaces glutamic acid, which is acidic and polar, with valine, which is neutral and non-polar, at codon 279 of the SLC22A5 protein (p.Glu279Val).

NM_003060.4(SLC22A5):c.836A>T (p.Glu279Val)

Gene: SLC22A5 (solute carrier family 22 member 5; plus strand). Cytogenetic location: 5q31.1.
Variant type: single nucleotide variant.
Coding change: c.836A>T on transcript NM_003060.4 (MANE Select); coding-DNA position 836, A replaced by T.
Protein change: p.Glu279Val; replaces glutamic acid 279 with valine.
Molecular consequence: missense variant.
Genome position (GRCh38, 1-based): chr5:132,387,036, A>T. VCF-style: chr5-132387036-A-T. GRCh37 (hg19) VCF-style: chr5-131722728-A-T.
Other names: c.908A>T, p.Glu303Val (NM_001308122.2); short protein forms E279V, E303V.
Identifiers: ClinVar variation 1451033 (VCV001451033.8), dbSNP rs2126785898, ClinGen allele CA360805525.
Genomic context (GRCh38, chr5:132,387,036, plus strand): 5'-TCTGCTGTTGGCAGGGAGGCCTCACTGAGATTGGACCTTGTACTGCCAGGTTCATCCCTG[A>T]GTCCCCCCGATGGCTCATCTCTCAGGGACGATTTGAAGAGGCAGAGGTGATCATCCGCAA-3'
Protein context (NP_003051.1, residues 269-289): LCVALWWFIP[Glu279Val]SPRWLISQGR